The following is an entry in ClinVar:

ClinVar aggregate classification (germline): Likely pathogenic (1 of 4 stars; one submission).

Submission:

GeneDx
Classification: Likely pathogenic. Last evaluated: 2018-10-10. Review status: criteria provided, single submitter. Criteria: GeneDx Variant Classification (06012015). Collection method: clinical testing. Allele origin: germline. Affected: yes.
Comment: The c.3526_3527delGA variant in the CLTC gene has not been reported previously as a pathogenic variant nor as a benign variant, to our knowledge. The c.3526_3527delGA variant causes a frameshift starting with codon Glutamic acid 1176, changes this amino acid to a Threonine residue, and creates a premature Stop codon at position 7 of the new reading frame, denoted p.Glu1176ThrfsX7. This variant is predicted to cause loss of normal protein function either through protein truncation or nonsense-mediated mRNA decay. The c.3526_3527delGA variant is not observed in large population cohorts (Lek et al., 2016). We interpret c.3526_3527delGA as a likely pathogenic variant.

NM_004859.4(CLTC):c.3514_3515del (p.Glu1172fs)

Gene: CLTC (clathrin heavy chain; plus strand). Cytogenetic location: 17q23.1.
Variant type: Deletion.
Coding change: c.3514_3515del on transcript NM_004859.4 (MANE Select); coding-DNA positions 3514 to 3515, 2 bases deleted (GA; older notation c.3514_3515delGA).
Protein change: p.Glu1172fs; shifts the reading frame from glutamic acid 1172.
Molecular consequence: frameshift variant.
Genome position (GRCh38, 1-based): chr17:59,682,342-59,682,343, GA deleted; deleting any 2 consecutive bases within chr17:59,682,341-59,682,343 gives the same sequence; the c. name uses the placement nearest the transcript's 3' end. VCF-style (leftmost placement, unchanged base first): chr17-59682340-CAG-C. GRCh37 (hg19) VCF-style: chr17-57759701-CAG-C.
Other names: c.3526_3527del, p.Glu1176fs (NM_001288653.2); c.3526_3527delGA (NM_001288653.1); short protein forms E1176fs, E1172fs.
Identifiers: ClinVar variation 817800 (VCV000817800.1), dbSNP rs1598241437, ClinGen allele CA915950652.